The following is an entry in ClinVar:

NM_004738.5(VAPB):c.333G>A (p.Pro111=)

Gene: VAPB (VAMP associated protein B and C; plus strand). Cytogenetic location: 20q13.32.
Variant type: single nucleotide variant.
Coding change: c.333G>A on transcript NM_004738.5 (MANE Select); coding-DNA position 333, G replaced by A.
Protein change: p.Pro111=; no amino-acid change (proline 111 retained).
Molecular consequence: synonymous variant. On other transcripts: intron variant (1).
Genome position (GRCh38, 1-based): chr20:58,438,962, G>A. VCF-style: chr20-58438962-G-A. GRCh37 (hg19) VCF-style: chr20-57014018-G-A.
Other names: c.212-5115G>A (NM_001195677.2).
Identifiers: ClinVar variation 772554 (VCV000772554.15), dbSNP rs762402998, ClinGen allele CA9924234.

ClinVar aggregate classification (germline): Likely benign. Review status: criteria provided, single submitter (1 of 4 stars). 2 submissions from 2 submitters: Likely benign (1). 1 of the submissions does not count toward it. Last evaluated 2025-09-11.

Conditions:
VAPB-related disorder. Also called: VAPB-related condition.
Amyotrophic lateral sclerosis type 8 (ALS8). Identifiers: Orphanet 803, MedGen C1837728, MONDO:0012077, OMIM 608627.
Adult-onset proximal spinal muscular atrophy, autosomal dominant. Also called: FINKEL LATE-ADULT TYPE SMA; Spinal muscular atrophy, late-onset, finkel type. Identifiers: Orphanet 209335, MedGen C1854058, MONDO:0008453, OMIM 182980.

Allele frequency attached by ClinVar (database versions not stated): gnomAD 0.00001; gnomAD exomes 0.00003; TOPMed 0.00003; ExAC 0.00005.
gnomAD v4.1: 52 of 1,613,676 alleles (0.0032%); highest among the groups gnomAD compares: Middle Eastern, 0.049%; no homozygotes.

Submissions (2):

Labcorp Genetics (formerly Invitae), Labcorp
Classification: Likely benign for Adult-onset proximal spinal muscular atrophy, autosomal dominant; Amyotrophic lateral sclerosis type 8. Last evaluated: 2025-09-11. Review status: criteria provided, single submitter. Criteria: Invitae Variant Classification Sherloc (09022015). Collection method: clinical testing. Allele origin: germline.

PreventionGenetics, part of Exact Sciences
Classification: Likely benign for VAPB-related condition. Last evaluated: 2019-05-28. Review status: no assertion criteria provided. Collection method: clinical testing. Allele origin: germline. Not counted in ClinVar's aggregate classification.
Comment: This variant is classified as likely benign based on ACMG/AMP sequence variant interpretation guidelines (Richards et al. 2015 PMID: 25741868, with internal and published modifications).